The following is an entry in ClinVar:

NM_033225.6(CSMD1):c.4817T>C (p.Ile1606Thr)

Gene: CSMD1 (CUB and Sushi multiple domains 1; minus strand). Cytogenetic location: 8p23.2.
Variant type: single nucleotide variant.
Coding change: c.4817T>C on transcript NM_033225.6 (MANE Select); coding-DNA position 4817, T replaced by C.
Protein change: p.Ile1606Thr; replaces isoleucine 1606 with threonine.
Molecular consequence: missense variant.
Genome position (GRCh38, 1-based): chr8:3,214,547, A>G on the plus strand (T>C on the coding strand, the complement: CSMD1 is on the minus strand). VCF-style: chr8-3214547-A-G. GRCh37 (hg19) VCF-style: chr8-3072069-A-G.
Other names: short protein forms I1606T.
Identifiers: ClinVar variation 4982546 (VCV004982546.1).

ClinVar aggregate classification (germline): Uncertain significance (1 of 4 stars; one submission).

Conditions:
CSMD1-related disorder. Also called: CSMD1-related condition.

gnomAD v4.1: 6 of 1,599,384 alleles (0.00038%); highest among the groups gnomAD compares: East Asian, 0.0068%; no homozygotes.

Submission:

PreventionGenetics, part of Exact Sciences
Classification: Uncertain significance for CSMD1-related condition. Last evaluated: 2025-07-07. Review status: criteria provided, single submitter. Criteria: ACMG Guidelines, 2015. Collection method: clinical testing. Allele origin: germline.
Comment: The CSMD1 c.4817T>C variant is predicted to result in the amino acid substitution p.Ile1606Thr. To our knowledge, this variant has not been reported in the literature or in a large population database (gnomAD), indicating this variant is rare. At this time, the clinical significance of this variant is uncertain due to the absence of conclusive functional and genetic evidence.